The following is an entry in ClinVar:

NM_001363711.2(DUOX2):c.341C>A (p.Ser114Tyr)

Gene: DUOX2 (dual oxidase 2; minus strand). Cytogenetic location: 15q21.1.
Variant type: single nucleotide variant.
Coding change: c.341C>A on transcript NM_001363711.2 (MANE Select); coding-DNA position 341, C replaced by A.
Protein change: p.Ser114Tyr; replaces serine 114 with tyrosine.
Molecular consequence: missense variant.
Genome position (GRCh38, 1-based): chr15:45,111,940, G>T on the plus strand (C>A on the coding strand, the complement: DUOX2 is on the minus strand). VCF-style: chr15-45111940-G-T. GRCh37 (hg19) VCF-style: chr15-45404138-G-T.
Other names: c.341C>A, p.Ser114Tyr (NM_014080.5); short protein forms S114Y.
Identifiers: ClinVar variation 316189 (VCV000316189.10), dbSNP rs886051197, ClinGen allele CA10642011.

ClinVar aggregate classification (germline): Uncertain significance. Review status: criteria provided, multiple submitters, no conflicts (2 of 4 stars). 2 submissions from 2 submitters: Uncertain significance (2). Last evaluated 2025-11-12.

Conditions:
Thyroid dyshormonogenesis 6 (TDH6). Also called: THYROID HORMONOGENESIS, GENETIC DEFECT IN, 6; Genetic transient congenital hypothyroidism; HYPOTHYROIDISM, CONGENITAL, DUE TO DYSHORMONOGENESIS, 6. Identifiers: Orphanet 226316, Orphanet 95716, MedGen C1846632, MONDO:0011792, OMIM 607200.

Allele frequency attached by ClinVar (database versions not stated): gnomAD exomes below 0.00001.
gnomAD v4.1: 4 of 1,613,654 alleles (0.00025%); highest among the groups gnomAD compares: Middle Eastern, 0.017%; no homozygotes.

Submissions (2):

Labcorp Genetics (formerly Invitae), Labcorp
Classification: Uncertain significance. Last evaluated: 2025-11-12. Review status: criteria provided, single submitter. Criteria: Invitae Variant Classification Sherloc (09022015). Collection method: clinical testing. Allele origin: germline.
Comment: This sequence change replaces serine, which is neutral and polar, with tyrosine, which is neutral and polar, at codon 114 of the DUOX2 protein (p.Ser114Tyr). This variant is not present in population databases (gnomAD no frequency). This variant has not been reported in the literature in individuals affected with DUOX2-related conditions. ClinVar contains an entry for this variant (Variation ID: 316189). Invitae Evidence Modeling of protein sequence and biophysical properties (such as structural, functional, and spatial information, amino acid conservation, physicochemical variation, residue mobility, and thermodynamic stability) indicates that this missense variant is not expected to disrupt DUOX2 protein function with a negative predictive value of 80%. In summary, the available evidence is currently insufficient to determine the role of this variant in disease. Therefore, it has been classified as a Variant of Uncertain Significance.

Illumina Laboratory Services, Illumina
Classification: Uncertain significance for Thyroid dyshormonogenesis 6. Last evaluated: 2018-01-12. Review status: criteria provided, single submitter. Criteria: ICSL Variant Classification Criteria 13 December 2019. Collection method: clinical testing. Allele origin: germline.